The following is an entry in ClinVar:

NM_004360.5(CDH1):c.432C>A (p.Asn144Lys)

Gene: CDH1 (cadherin 1; plus strand). Cytogenetic location: 16q22.1.
Variant type: single nucleotide variant.
Coding change: c.432C>A on transcript NM_004360.5 (MANE Select); coding-DNA position 432, C replaced by A.
Protein change: p.Asn144Lys; replaces asparagine 144 with lysine.
Molecular consequence: missense variant. On other transcripts: 5 prime UTR variant (2).
Genome position (GRCh38, 1-based): chr16:68,808,468, C>A. VCF-style: chr16-68808468-C-A. GRCh37 (hg19) VCF-style: chr16-68842371-C-A.
Other names: c.432C>A, p.Asn144Lys (NM_001317184.2); c.-1184C>A (NM_001317185.2); c.-1388C>A (NM_001317186.2); short protein forms N144K.
Identifiers: ClinVar variation 3572236 (VCV003572236.1).

ClinVar aggregate classification (germline): Uncertain significance (1 of 4 stars; one submission).

Submission:

Quest Diagnostics Nichols Institute San Juan Capistrano
Classification: Uncertain significance. Last evaluated: 2024-11-07. Review status: criteria provided, single submitter. Criteria: Quest Diagnostics criteria. Collection method: clinical testing. Allele origin: unknown.
Comment: The CDH1 c.432C>A (p.Asn144Lys) variant has not been reported in individuals with CDH1-related conditions in the published literature. It also has not been reported in large, multi-ethnic general populations (Genome Aggregation Database). Analysis of this variant using bioinformatics tools for the prediction of the effect of amino acid changes on protein structure and function yielded predictions that this variant is benign. Based on the available information, we are unable to determine the clinical significance of this variant.